The following is an entry in ClinVar:

NM_018192.4(P3H2):c.1118A>G (p.Lys373Arg)

Gene: P3H2 (prolyl 3-hydroxylase 2; minus strand). Cytogenetic location: 3q28.
Variant type: single nucleotide variant.
Coding change: c.1118A>G on transcript NM_018192.4 (MANE Select); coding-DNA position 1118, A replaced by G.
Protein change: p.Lys373Arg; replaces lysine 373 with arginine.
Molecular consequence: missense variant.
Genome position (GRCh38, 1-based): chr3:189,986,858, T>C on the plus strand (A>G on the coding strand, the complement: P3H2 is on the minus strand). VCF-style: chr3-189986858-T-C. GRCh37 (hg19) VCF-style: chr3-189704647-T-C.
Other names: c.575A>G, p.Lys192Arg (NM_001134418.2); short protein forms K192R, K373R.
Identifiers: ClinVar variation 1715159 (VCV001715159.5), dbSNP rs1175689574, ClinGen allele CA355757187.

ClinVar aggregate classification (germline): Uncertain significance (1 of 4 stars; one submission).

Submission:

Labcorp Genetics (formerly Invitae), Labcorp
Classification: Uncertain significance. Last evaluated: 2022-08-21. Review status: criteria provided, single submitter. Criteria: Invitae Variant Classification Sherloc (09022015). Collection method: clinical testing. Allele origin: germline.
Comment: In summary, the available evidence is currently insufficient to determine the role of this variant in disease. Therefore, it has been classified as a Variant of Uncertain Significance. Algorithms developed to predict the effect of missense changes on protein structure and function (SIFT, PolyPhen-2, Align-GVGD) all suggest that this variant is likely to be tolerated. This variant has not been reported in the literature in individuals affected with P3H2-related conditions. This variant is not present in population databases (gnomAD no frequency). This sequence change replaces lysine, which is basic and polar, with arginine, which is basic and polar, at codon 373 of the P3H2 protein (p.Lys373Arg).